The following is an entry in ClinVar:

NM_020774.4(MIB1):c.2234del (p.Gln745fs)

Gene: MIB1 (MIB E3 ubiquitin protein ligase 1; plus strand). Cytogenetic location: 18q11.2.
Variant type: Deletion.
Coding change: c.2234del on transcript NM_020774.4 (MANE Select); coding-DNA position 2234, one base deleted (A; older notation c.2234delA).
Protein change: p.Gln745fs; shifts the reading frame from glutamine 745.
Molecular consequence: frameshift variant.
Genome position (GRCh38, 1-based): chr18:21,846,966, A deleted. VCF-style (leftmost placement, unchanged base first): chr18-21846965-CA-C. GRCh37 (hg19) VCF-style: chr18-19426926-CA-C.
Other names: c.2234delA (NM_020774.3); short protein forms Q745fs.
Identifiers: ClinVar variation 432439 (VCV000432439.2), dbSNP rs1463825087, ClinGen allele CA628980210.

ClinVar aggregate classification (germline): Uncertain significance (1 of 4 stars; one submission).

Allele frequency attached by ClinVar (database versions not stated): gnomAD exomes below 0.00001.

Submission:

GeneDx
Classification: Uncertain significance. Last evaluated: 2017-12-04. Review status: criteria provided, single submitter. Criteria: GeneDx Variant Classification (06012015). Collection method: clinical testing. Allele origin: germline. Affected: yes.
Comment: A variant of uncertain significance has been identified in the MIB1 gene. The c.2234delA variant has not been published as pathogenic or been reported as benign to our knowledge. This variant is also not observed in large population cohorts (Lek et al., 2016; 1000 Genomes Consortium et al., 2015; Exome Variant Server). This variant causes a shift in reading frame starting at codon glutamine (Q) 745, changing it to a arginine (R), and creating a premature stop codon at position 22 of the new reading frame, denoted p.Gln745ArgfsX22. This variant is expected to result in either an abnormal, truncated protein product or loss of protein from this allele through nonsense-mediated mRNA decay. Nevertheless, only five variants in the MIB1 gene have been reported in HGMD in association with MIB1-related disorders, including only one truncating variant associated with left ventricular non-compaction (LVNC) cardiomyopathy (Stenson et al., 2014). Thus, the mechanism of disease for variants in the MIB1 gene remains to be definitely established, and in the absence of functional expression studies, the physiological consequence of this variant cannot be precisely determined.